The following is an entry in ClinVar:

ClinVar aggregate classification (germline): Uncertain significance. Review status: criteria provided, multiple submitters, no conflicts (2 of 4 stars). 2 submissions from 2 submitters: Uncertain significance (2). Last evaluated 2025-10-20.

Conditions:
Colorectal cancer, hereditary nonpolyposis, type 7. Identifiers: Orphanet 144, MedGen C1858380, MONDO:0013725, OMIM 614385.

Submissions (2):

Ambry Genetics
Classification: Uncertain significance. Last evaluated: 2025-10-20. Review status: criteria provided, single submitter. Criteria: Ambry Variant Classification Scheme 2023. Collection method: clinical testing. Allele origin: germline.
Comment: The p.F1067L variant (also known as c.3201C>G), located in coding exon 1 of the MLH3 gene, results from a C to G substitution at nucleotide position 3201. The phenylalanine at codon 1067 is replaced by leucine, an amino acid with highly similar properties. This amino acid position is not well conserved in available vertebrate species. In addition, the in silico prediction for this alteration is inconclusive. The evidence for this gene-disease relationship is limited; therefore, the clinical significance of this alteration is unclear.

Labcorp Genetics (formerly Invitae), Labcorp
Classification: Uncertain significance for Colorectal cancer, hereditary nonpolyposis, type 7. Last evaluated: 2025-05-18. Review status: criteria provided, single submitter. Criteria: Invitae Variant Classification Sherloc (09022015). Collection method: clinical testing. Allele origin: germline.
Comment: This sequence change replaces phenylalanine, which is neutral and non-polar, with leucine, which is neutral and non-polar, at codon 1067 of the MLH3 protein (p.Phe1067Leu). This variant is not present in population databases (gnomAD no frequency). This variant has not been reported in the literature in individuals affected with MLH3-related conditions. An algorithm developed to predict the effect of missense changes on protein structure and function (PolyPhen-2) suggests that this variant is likely to be disruptive. In summary, the available evidence is currently insufficient to determine the role of this variant in disease. Therefore, it has been classified as a Variant of Uncertain Significance.

NM_001040108.2(MLH3):c.3201C>G (p.Phe1067Leu)

Gene: MLH3 (mutL homolog 3; minus strand). Cytogenetic location: 14q24.3.
Variant type: single nucleotide variant.
Coding change: c.3201C>G on transcript NM_001040108.2 (MANE Select); coding-DNA position 3201, C replaced by G.
Protein change: p.Phe1067Leu; replaces phenylalanine 1067 with leucine.
Molecular consequence: missense variant.
Genome position (GRCh38, 1-based): chr14:75,046,455, G>C on the plus strand (C>G on the coding strand, the complement: MLH3 is on the minus strand). VCF-style: chr14-75046455-G-C. GRCh37 (hg19) VCF-style: chr14-75513158-G-C.
Other names: c.3201C>G, p.Phe1067Leu (NM_014381.3); short protein forms F1067L.
Identifiers: ClinVar variation 4552058 (VCV004552058.2).